The following is an entry in ClinVar:

NM_024675.4(PALB2):c.2587-38C>G

Gene: PALB2 (partner and localizer of BRCA2; minus strand). Cytogenetic location: 16p12.2.
Variant type: single nucleotide variant.
Coding change: c.2587-38C>G on transcript NM_024675.4 (MANE Select); 38 bases into the intron before coding-DNA position 2587, C replaced by G.
Molecular consequence: intron variant.
Genome position (GRCh38, 1-based): chr16:23,626,435, G>C on the plus strand (C>G on the coding strand, the complement: PALB2 is on the minus strand). VCF-style: chr16-23626435-G-C. GRCh37 (hg19) VCF-style: chr16-23637756-G-C.
Identifiers: ClinVar variation 126666 (VCV000126666.13), dbSNP rs180177119, ClinGen allele CA269547.

ClinVar aggregate classification (germline): Likely benign. Review status: criteria provided, single submitter (1 of 4 stars). 4 submissions from 4 submitters: Likely benign (1). 3 of the submissions do not count toward it. Last evaluated 2025-03-04.

Conditions:
Familial cancer of breast. Also called: BREAST CANCER, FAMILIAL; hereditary breast carcinoma; Hereditary breast cancer. Identifiers: Orphanet 227535, MedGen C0346153, MONDO:0016419, OMIM 114480. Disease mechanism: loss of function.

Allele frequency attached by ClinVar (database versions not stated): gnomAD 0.00082; ESP Exome Variant Server 0.00100; TOPMed 0.00115; 1000 Genomes Project 30x 0.00219; 1000 Genomes Project 0.00220.
gnomAD v4.1: 1,965 of 1,612,100 alleles (0.12%); highest among the groups gnomAD compares: Middle Eastern, 0.73%; 10 homozygotes.

Submissions (4):

Center for Genomic Medicine, Rigshospitalet, Copenhagen University Hospital
Classification: Likely benign. Last evaluated: 2025-03-04. Review status: criteria provided, single submitter. Criteria: ACMG Guidelines, 2015. Collection method: clinical testing. Allele origin: germline.

Leiden Open Variation Database
Classification: Likely benign for Familial cancer of breast. Last evaluated: 2019-05-13. Review status: no assertion criteria provided. Collection method: curation. Allele origin: germline. Affected: yes. Not counted in ClinVar's aggregate classification.
Comment: Curators: Marc Tischkowitz, Arleen D. Auerbach. Submitter to LOVD: Marc Tischkowitz.

Clinical Genetics Laboratory, Department of Pathology, Netherlands Cancer Institute
Classification: Likely benign. Review status: no assertion criteria provided. Collection method: clinical testing. Allele origin: germline. Affected: yes. Study: VKGL Data-share Consensus. Not counted in ClinVar's aggregate classification.

Joint Genome Diagnostic Labs from Nijmegen and Maastricht, Radboudumc and MUMC+
Classification: Likely benign. Review status: no assertion criteria provided. Collection method: clinical testing. Allele origin: germline. Affected: yes. Study: VKGL Data-share Consensus. Not counted in ClinVar's aggregate classification.

Literature cited by the submitters: PubMed 18302019 (cited by Leiden Open Variation Database); PubMed 22052327 (cited by Leiden Open Variation Database); PubMed 23824750 (cited by Leiden Open Variation Database); PubMed 24556926 (cited by Leiden Open Variation Database).